The following is an entry in ClinVar:

NM_001113378.2(FANCI):c.3007-3T>A

Gene: FANCI (FA complementation group I; plus strand). Cytogenetic location: 15q26.1.
Variant type: single nucleotide variant.
Coding change: c.3007-3T>A on transcript NM_001113378.2 (MANE Select); 3 bases into the intron before coding-DNA position 3007, T replaced by A.
Molecular consequence: intron variant.
Genome position (GRCh38, 1-based): chr15:89,303,861, T>A. VCF-style: chr15-89303861-T-A. GRCh37 (hg19) VCF-style: chr15-89847092-T-A.
Other names: c.2827-3T>A (NM_018193.3); c.3007-3T>A (NM_001376911.1); c.2728-3T>A (NM_001376910.1).
Identifiers: ClinVar variation 1954060 (VCV001954060.2), dbSNP rs1198770914, ClinGen allele CA2580090307.

ClinVar aggregate classification (germline): Uncertain significance (1 of 4 stars; one submission).

Conditions:
Fanconi anemia (FA). Also called: Fanconi's anemia. Identifiers: Orphanet 84, MedGen C0015625, MeSH D005199, MONDO:0019391.

Submission:

Labcorp Genetics (formerly Invitae), Labcorp
Classification: Uncertain significance for Fanconi anemia. Last evaluated: 2022-01-31. Review status: criteria provided, single submitter. Criteria: Invitae Variant Classification Sherloc (09022015). Collection method: clinical testing. Allele origin: germline.
Comment: This sequence change falls in intron 27 of the FANCI gene. It does not directly change the encoded amino acid sequence of the FANCI protein. It affects a nucleotide within the consensus splice site. This variant is not present in population databases (gnomAD no frequency). This variant has not been reported in the literature in individuals affected with FANCI-related conditions. Variants that disrupt the consensus splice site are a relatively common cause of aberrant splicing (PMID: 17576681, 9536098). Algorithms developed to predict the effect of sequence changes on RNA splicing suggest that this variant may disrupt the consensus splice site. In summary, the available evidence is currently insufficient to determine the role of this variant in disease. Therefore, it has been classified as a Variant of Uncertain Significance.

Literature cited by the submitters: PubMed 17576681; PubMed 9536098.